The following is an entry in ClinVar:

ClinVar aggregate classification (germline): Benign/Likely benign. Review status: criteria provided, multiple submitters, no conflicts (2 of 4 stars). 4 submissions from 4 submitters: Benign (1); Likely benign (3). Last evaluated 2026-02-02.

Conditions:
Hereditary cancer-predisposing syndrome. Also called: Neoplastic Syndromes, Hereditary; Hereditary neoplastic syndrome; Tumor predisposition; Hereditary Cancer Syndrome. Identifiers: Orphanet 140162, MedGen C0027672, MeSH D009386, MONDO:0015356.
Hereditary diffuse gastric adenocarcinoma (HDGC). Also called: DIFFUSE GASTRIC AND LOBULAR BREAST CANCER SYNDROME. Identifiers: Orphanet 26106, MedGen C1708349, MONDO:0007648, OMIM 137215.

Allele frequency attached by ClinVar (database versions not stated): gnomAD exomes below 0.00001 and 0.00001; gnomAD 0.00001; ExAC 0.00002; 1000 Genomes Project 0.00020; 1000 Genomes Project 30x 0.00031.
gnomAD v4.1: 2 of 1,614,184 alleles (0.00012%); highest among the groups gnomAD compares: East Asian, 0.0045%; no homozygotes.

Submissions (4):

Labcorp Genetics (formerly Invitae), Labcorp
Classification: Likely benign for Hereditary diffuse gastric adenocarcinoma. Last evaluated: 2026-02-02. Review status: criteria provided, single submitter. Criteria: Invitae Variant Classification Sherloc (09022015). Collection method: clinical testing. Allele origin: germline.

Myriad Genetics, Inc.
Classification: Benign for Hereditary diffuse gastric adenocarcinoma. Last evaluated: 2024-09-20. Review status: criteria provided, single submitter. Criteria: Myriad Autosomal Dominant, Autosomal Recessive and X-Linked Classification Criteria (2023). Collection method: clinical testing. Allele origin: unknown.
Comment: This variant is considered benign. This variant is a silent/synonymous amino acid change and it is not expected to impact splicing.

Ambry Genetics
Classification: Likely benign for Hereditary cancer-predisposing syndrome. Last evaluated: 2023-07-12. Review status: criteria provided, single submitter. Criteria: Ambry Variant Classification Scheme 2023. Collection method: clinical testing. Allele origin: germline.

Color Diagnostics, LLC DBA Color Health
Classification: Likely benign for Hereditary cancer-predisposing syndrome. Last evaluated: 2021-12-05. Review status: criteria provided, single submitter. Criteria: ACMG Guidelines, 2015. Collection method: clinical testing. Allele origin: germline.

NM_004360.5(CDH1):c.1848T>C (p.Asp616=)

Gene: CDH1 (cadherin 1; plus strand). Cytogenetic location: 16q22.1.
Variant type: single nucleotide variant.
Coding change: c.1848T>C on transcript NM_004360.5 (MANE Select); coding-DNA position 1848, T replaced by C.
Protein change: p.Asp616=; no amino-acid change (aspartic acid 616 retained).
Molecular consequence: synonymous variant. On other transcripts: 5 prime UTR variant (1).
Genome position (GRCh38, 1-based): chr16:68,822,137, T>C. VCF-style: chr16-68822137-T-C. GRCh37 (hg19) VCF-style: chr16-68856040-T-C.
Other names: c.1848T>C (LRG_301t1); c.1665T>C, p.Asp555= (NM_001317184.2); c.300T>C, p.Asp100= (NM_001317185.2); c.-118T>C (NM_001317186.2).
Identifiers: ClinVar variation 532487 (VCV000532487.14), dbSNP rs189334685, ClinGen allele CA8130159.